The following is an entry in ClinVar:

ClinVar aggregate classification (germline): Likely benign. Review status: criteria provided, multiple submitters, no conflicts (2 of 4 stars). 3 submissions from 3 submitters: Likely benign (3). Last evaluated 2025-10-08.

Conditions:
Androgen resistance syndrome (AIS). Also called: Androgen insensitivity, complete; Androgen insensitivity syndrome; DHTR DEFICIENCY; ANDROGEN RECEPTOR DEFICIENCY; DIHYDROTESTOSTERONE RECEPTOR DEFICIENCY; TESTICULAR FEMINIZATION SYNDROME. Identifiers: Orphanet 754, Orphanet 99429, MedGen C0039585, MONDO:0019154, OMIM 300068. Disease mechanism: loss of function.
Kennedy disease (SMAX1). Also called: Spinal and Bulbar Muscular Atrophy; SPINAL AND BULBAR MUSCULAR ATROPHY, X-LINKED 1; KENNEDY SPINAL AND BULBAR MUSCULAR ATROPHY. Identifiers: Orphanet 481, MedGen C1839259, MONDO:0010735, OMIM 313200.

Allele frequency attached by ClinVar (database versions not stated): gnomAD 0.00106 and 0.00109; gnomAD exomes 0.00870; ExAC 0.03731.

Submissions (3):

Labcorp Genetics (formerly Invitae), Labcorp
Classification: Likely benign for Kennedy disease; Androgen resistance syndrome. Last evaluated: 2025-10-08. Review status: criteria provided, single submitter. Criteria: Invitae Variant Classification Sherloc (09022015). Collection method: clinical testing. Allele origin: germline.

GeneDx
Classification: Likely benign. Last evaluated: 2018-01-22. Review status: criteria provided, single submitter. Criteria: GeneDx Variant Classification (06012015). Collection method: clinical testing. Allele origin: germline. Affected: yes.
Comment: This variant is considered likely benign or benign based on one or more of the following criteria: it is a conservative change, it occurs at a poorly conserved position in the protein, it is predicted to be benign by multiple in silico algorithms, and/or has population frequency not consistent with disease.

Breakthrough Genomics
Classification: Likely benign. Review status: criteria provided, single submitter. Criteria: ACMG Guidelines, 2015. Collection method: not provided. Allele origin: germline. Inheritance: X-linked inheritance. Affected: yes.

NM_000044.6(AR):c.1383C>T (p.Gly461=)

Gene: AR (androgen receptor; plus strand). Cytogenetic location: Xq12.
Variant type: single nucleotide variant.
Coding change: c.1383C>T on transcript NM_000044.6 (MANE Select); coding-DNA position 1383, C replaced by T.
Protein change: p.Gly461=; no amino-acid change (glycine 461 retained).
Molecular consequence: synonymous variant. On other transcripts: 5 prime UTR variant (1).
Genome position (GRCh38, 1-based): chrX:67,546,529, C>T. VCF-style: chrX-67546529-C-T. GRCh37 (hg19) VCF-style: chrX-66766371-C-T.
Other names: c.-401C>T (NM_001011645.3); c.1383C>T, p.Gly461= (NM_001348061.1, NM_001348063.1, NM_001348064.1).
Identifiers: ClinVar variation 506678 (VCV000506678.10), dbSNP rs768280979, ClinGen allele CA10436434.